The following is an entry in ClinVar:

NM_017849.4(TMEM127):c.652G>A (p.Glu218Lys)

Gene: TMEM127 (transmembrane protein 127; minus strand). Cytogenetic location: 2q11.2.
Variant type: single nucleotide variant.
Coding change: c.652G>A on transcript NM_017849.4 (MANE Select); coding-DNA position 652, G replaced by A.
Protein change: p.Glu218Lys; replaces glutamic acid 218 with lysine.
Molecular consequence: missense variant.
Genome position (GRCh38, 1-based): chr2:96,253,873, C>T on the plus strand (G>A on the coding strand, the complement: TMEM127 is on the minus strand). VCF-style: chr2-96253873-C-T. GRCh37 (hg19) VCF-style: chr2-96919611-C-T.
Other names: c.652G>A, p.Glu218Lys (NM_001193304.3); short protein forms E218K.
Identifiers: ClinVar variation 643972 (VCV000643972.16), dbSNP rs746291260, ClinGen allele CA52411938.

ClinVar aggregate classification (germline): Uncertain significance. Review status: criteria provided, multiple submitters, no conflicts (2 of 4 stars). 2 submissions from 2 submitters: Uncertain significance (2). Last evaluated 2025-11-24.

Conditions:
Hereditary pheochromocytoma and paraganglioma. Also called: Hereditary Paraganglioma-Pheochromocytoma Syndromes; Hereditary paragangliomas and pheochromocytomas; Hereditary pheochromocytoma-paraganglioma. Identifiers: Orphanet 29072, MedGen C4274332, MONDO:0017366.
Hereditary cancer-predisposing syndrome. Also called: Neoplastic Syndromes, Hereditary; Hereditary Cancer Syndrome; Tumor predisposition; Hereditary neoplastic syndrome. Identifiers: Orphanet 140162, MedGen C0027672, MeSH D009386, MONDO:0015356.

Allele frequency attached by ClinVar (database versions not stated): gnomAD exomes below 0.00001 and 0.00001; TOPMed 0.00002.

Submissions (2):

Labcorp Genetics (formerly Invitae), Labcorp
Classification: Uncertain significance for Hereditary pheochromocytoma and paraganglioma. Last evaluated: 2025-11-24. Review status: criteria provided, single submitter. Criteria: Invitae Variant Classification Sherloc (09022015). Collection method: clinical testing. Allele origin: germline.
Comment: This sequence change replaces glutamic acid, which is acidic and polar, with lysine, which is basic and polar, at codon 218 of the TMEM127 protein (p.Glu218Lys). This variant is present in population databases (rs746291260, gnomAD 0.003%). This variant has not been reported in the literature in individuals affected with TMEM127-related conditions. ClinVar contains an entry for this variant (Variation ID: 643972). An algorithm developed to predict the effect of missense changes on protein structure and function (PolyPhen-2) suggests that this variant is likely to be tolerated. In summary, the available evidence is currently insufficient to determine the role of this variant in disease. Therefore, it has been classified as a Variant of Uncertain Significance.

Ambry Genetics
Classification: Uncertain significance for Hereditary cancer-predisposing syndrome. Last evaluated: 2025-08-25. Review status: criteria provided, single submitter. Criteria: Ambry Variant Classification Scheme 2023. Collection method: clinical testing. Allele origin: germline.
Comment: The p.E218K variant (also known as c.652G>A), located in coding exon 3 of the TMEM127 gene, results from a G to A substitution at nucleotide position 652. The glutamic acid at codon 218 is replaced by lysine, an amino acid with similar properties. This amino acid position is well conserved in available vertebrate species. In addition, the in silico prediction for this alteration is inconclusive. Based on the available evidence, the clinical significance of this variant remains unclear.